The following is an entry in ClinVar:

ClinVar aggregate classification (germline): Likely benign. Review status: criteria provided, single submitter (1 of 4 stars). 2 submissions from 2 submitters: Likely benign (1). 1 of the submissions does not count toward it. Last evaluated 2025-07-30.

Conditions:
RECQL4-related disorder. Also called: RECQL4-related condition; RECQL4-related disorders.
Baller-Gerold syndrome (BGS). Also called: CRANIOSYNOSTOSIS WITH RADIAL DEFECTS. Identifiers: Orphanet 1225, MedGen C0265308, MONDO:0009039, OMIM 218600.

gnomAD v4.1: 2 of 1,579,904 alleles (0.00013%); highest among the groups gnomAD compares: Non-Finnish European, 0.00017%; no homozygotes.

Submissions (2):

Labcorp Genetics (formerly Invitae), Labcorp
Classification: Likely benign for Baller-Gerold syndrome. Last evaluated: 2025-07-30. Review status: criteria provided, single submitter. Criteria: Invitae Variant Classification Sherloc (09022015). Collection method: clinical testing. Allele origin: germline.

PreventionGenetics, part of Exact Sciences
Classification: Likely benign for RECQL4-related condition. Last evaluated: 2024-06-08. Review status: no assertion criteria provided. Collection method: clinical testing. Allele origin: germline. Not counted in ClinVar's aggregate classification.
Comment: This variant is classified as likely benign based on ACMG/AMP sequence variant interpretation guidelines (Richards et al. 2015 PMID: 25741868, with internal and published modifications).

NM_004260.4(RECQL4):c.2544C>G (p.Arg848=)

Gene: RECQL4 (RecQ like helicase 4; minus strand). Cytogenetic location: 8q24.3.
Variant type: single nucleotide variant.
Coding change: c.2544C>G on transcript NM_004260.4 (MANE Select); coding-DNA position 2544, C replaced by G.
Protein change: p.Arg848=; no amino-acid change (arginine 848 retained).
Molecular consequence: synonymous variant.
Genome position (GRCh38, 1-based): chr8:144,513,058, G>C on the plus strand (C>G on the coding strand, the complement: RECQL4 is on the minus strand). VCF-style: chr8-144513058-G-C. GRCh37 (hg19) VCF-style: chr8-145738441-G-C.
Other names: c.2544C>G (NM_004260.3).
Identifiers: ClinVar variation 1125550 (VCV001125550.8), dbSNP rs200114521, ClinGen allele CA4948193.